The following is an entry in ClinVar:

ClinVar aggregate classification (germline): Conflicting classifications of pathogenicity. Review status: criteria provided, conflicting classifications (1 of 4 stars). 6 submissions from 6 submitters: Uncertain significance (4); Likely benign (1). 1 of the submissions does not count toward it. Last evaluated 2025-06-20.

Conditions:
Stargardt disease (FFM). Also called: Stargardt's disease; Fundus flavimaculatus. Identifiers: Orphanet 827, MedGen C0271093, MONDO:0019353.
ABCA4-related disorder. Also called: ABCA4-related condition; ABCA4-related disorders. Identifiers: MedGen CN239167.

Allele frequency attached by ClinVar (database versions not stated): ESP Exome Variant Server 0.00008; gnomAD exomes 0.00008 and 0.00002; TOPMed 0.00003; ExAC 0.00007.
gnomAD v4.1: 30 of 1,614,178 alleles (0.0019%); highest among the groups gnomAD compares: Admixed American, 0.035%; no homozygotes.

Submissions (6):

Women's Health and Genetics/Laboratory Corporation of America, LabCorp
Classification: Uncertain significance. Last evaluated: 2025-06-20. Review status: criteria provided, single submitter. Criteria: LabCorp Variant Classification Summary - May 2015. Collection method: clinical testing. Allele origin: germline.
Comment: Variant summary: ABCA4 c.5460+3G>A alters a conserved nucleotide located close to a canonical splice site and therefore could affect mRNA splicing, leading to a significantly altered protein sequence. Consensus agreement among computation tools predict no significant impact on normal splicing. However, these predictions have yet to be confirmed by functional studies. The variant allele was found at a frequency of 8e-05 in 251484 control chromosomes. This frequency is not significantly higher than estimated for a pathogenic variant in ABCA4 causing Retinitis Pigmentosa (8e-05 vs 0.0014), allowing no conclusion about variant significance. c.5460+3G>A has been observed in at least one compound heterozygous individual affected with Stargardt Disease (e.g. Chacon-Camacho_2024). These data do not allow any conclusion about variant significance. To our knowledge, no experimental evidence demonstrating an impact on protein function has been reported. The following publication has been ascertained in the context of this evaluation (PMID: 39162841). ClinVar contains an entry for this variant (Variation ID: 838818). Based on the evidence outlined above, the variant was classified as uncertain significance.

PreventionGenetics, part of Exact Sciences
Classification: Likely benign for ABCA4-related condition. Last evaluated: 2025-05-21. Review status: criteria provided, single submitter. Criteria: ACMG Guidelines, 2015. Collection method: clinical testing. Allele origin: germline.
Comment: This variant is classified as likely benign based on ACMG/AMP sequence variant interpretation guidelines (Richards et al. 2015 PMID: 25741868, with internal and published modifications).

GeneDx
Classification: Uncertain significance. Last evaluated: 2025-03-31. Review status: criteria provided, single submitter. Criteria: GeneDx Variant Classification Process June 2021. Collection method: clinical testing. Allele origin: germline. Affected: yes.
Comment: In silico analysis indicates that this variant does not alter splicing; This variant is associated with the following publications: (PMID: 39162841)

Labcorp Genetics (formerly Invitae), Labcorp
Classification: Uncertain significance. Last evaluated: 2022-10-24. Review status: criteria provided, single submitter. Criteria: Invitae Variant Classification Sherloc (09022015). Collection method: clinical testing. Allele origin: germline.
Comment: This sequence change falls in intron 38 of the ABCA4 gene. It does not directly change the encoded amino acid sequence of the ABCA4 protein. It affects a nucleotide within the consensus splice site. This variant is present in population databases (rs371777196, gnomAD 0.05%). This variant has not been reported in the literature in individuals affected with ABCA4-related conditions. ClinVar contains an entry for this variant (Variation ID: 838818). Variants that disrupt the consensus splice site are a relatively common cause of aberrant splicing (PMID: 17576681, 9536098). Algorithms developed to predict the effect of sequence changes on RNA splicing suggest that this variant is not likely to affect RNA splicing. In summary, the available evidence is currently insufficient to determine the role of this variant in disease. Therefore, it has been classified as a Variant of Uncertain Significance.

Blueprint Genetics
Classification: Uncertain significance. Last evaluated: 2021-06-15. Review status: criteria provided, single submitter. Criteria: ACMG Guidelines, 2015. Collection method: clinical testing. Allele origin: germline.

Ophthalmo-Genetics Lab, Instituto de Oftalmologia Conde de Valenciana
Classification: Likely pathogenic for Stargardt disease. Last evaluated: 2022-12-19. Review status: no assertion criteria provided. Collection method: research. Allele origin: biparental. Inheritance: Autosomal recessive inheritance. Affected: yes. Observed: 1 compound heterozygote. Not counted in ClinVar's aggregate classification.
Comment: PP1,PP4,PM3,PM2,BP4 ACMG criteria

Literature cited by the submitters: PubMed 39162841 (cited by Women's Health and Genetics/Laboratory Corporation of America, LabCorp); PubMed 17576681 (cited by Labcorp Genetics (formerly Invitae), Labcorp); PubMed 9536098 (cited by Labcorp Genetics (formerly Invitae), Labcorp); PubMed 30578500 (cited by Ophthalmo-Genetics Lab, Instituto de Oftalmologia Conde de Valenciana).

NM_000350.3(ABCA4):c.5460+3G>A

Gene: ABCA4 (ATP binding cassette subfamily A member 4; minus strand). Cytogenetic location: 1p22.1.
Variant type: single nucleotide variant.
Coding change: c.5460+3G>A on transcript NM_000350.3 (MANE Select); 3 bases into the intron after coding-DNA position 5460, G replaced by A.
Molecular consequence: intron variant.
Genome position (GRCh38, 1-based): chr1:94,014,540, C>T on the plus strand (G>A on the coding strand, the complement: ABCA4 is on the minus strand). VCF-style: chr1-94014540-C-T. GRCh37 (hg19) VCF-style: chr1-94480096-C-T.
Identifiers: ClinVar variation 838818 (VCV000838818.11), dbSNP rs371777196, ClinGen allele CA957279.
Genomic context (GRCh38, chr1:94,014,540, plus strand): 5'-TCGACCAACACATACTCTACTATCCTACTAATCAAACAAAAAAGCCAAGAAAGTTATGCT[C>T]ACCCGGTTATTCTCAAATAATTCCAAGATGAAGGTAATAGCACTGCTGTTGATGCCGATG-3'